The following is an entry in ClinVar:

ClinVar aggregate classification (germline): Uncertain significance (1 of 4 stars; one submission).

gnomAD v4.1: 2 of 1,550,274 alleles (0.00013%); highest among the groups gnomAD compares: African/African-American, 0.0014%; no homozygotes.

Submission:

Ambry Genetics
Classification: Uncertain significance. Last evaluated: 2025-02-18. Review status: criteria provided, single submitter. Criteria: Ambry Variant Classification Scheme 2023. Collection method: clinical testing. Allele origin: germline.
Comment: The p.S277C variant (also known as c.830C>G), located in coding exon 4 of the GFI1 gene, results from a C to G substitution at nucleotide position 830. The serine at codon 277 is replaced by cysteine, an amino acid with dissimilar properties. This amino acid position is conserved. In addition, this alteration is predicted to be tolerated by in silico analysis. Based on the available evidence, the clinical significance of this variant remains unclear.

NM_005263.5(GFI1):c.830C>G (p.Ser277Cys)

Gene: GFI1 (growth factor independent 1 transcriptional repressor; minus strand). Cytogenetic location: 1p22.1.
Variant type: single nucleotide variant.
Coding change: c.830C>G on transcript NM_005263.5 (MANE Select); coding-DNA position 830, C replaced by G.
Protein change: p.Ser277Cys; replaces serine 277 with cysteine.
Molecular consequence: missense variant.
Genome position (GRCh38, 1-based): chr1:92,480,442, G>C on the plus strand (C>G on the coding strand, the complement: GFI1 is on the minus strand). VCF-style: chr1-92480442-G-C. GRCh37 (hg19) VCF-style: chr1-92945999-G-C.
Other names: c.830C>G, p.Ser277Cys (NM_001127215.3, NM_001127216.3); short protein forms S277C.
Identifiers: ClinVar variation 3853725 (VCV003853725.1).